The following is an entry in ClinVar:

ClinVar aggregate classification (germline): Uncertain significance (1 of 4 stars; one submission).

Conditions:
GSDME-related disorder. Also called: GSDME-related condition.

Submission:

PreventionGenetics, part of Exact Sciences
Classification: Uncertain significance for GSDME-related condition. Last evaluated: 2025-07-24. Review status: criteria provided, single submitter. Criteria: ACMG Guidelines, 2015. Collection method: clinical testing. Allele origin: germline.
Comment: The GSDME c.1357G>A variant is predicted to result in the amino acid substitution p.Ala453Thr. To our knowledge, this variant has not been reported in the literature or in a large population database (gnomAD), indicating this variant is rare. At this time, the clinical significance of this variant is uncertain due to the absence of conclusive functional and genetic evidence.

NM_001127453.2(GSDME):c.1357G>A (p.Ala453Thr)

Gene: GSDME (gasdermin E; minus strand). Cytogenetic location: 7p15.3.
Variant type: single nucleotide variant.
Coding change: c.1357G>A on transcript NM_001127453.2 (MANE Select); coding-DNA position 1357, G replaced by A.
Protein change: p.Ala453Thr; replaces alanine 453 with threonine.
Molecular consequence: missense variant.
Genome position (GRCh38, 1-based): chr7:24,699,160, C>T on the plus strand (G>A on the coding strand, the complement: GSDME is on the minus strand). VCF-style: chr7-24699160-C-T. GRCh37 (hg19) VCF-style: chr7-24738779-C-T.
Other names: c.865G>A, p.Ala289Thr (NM_001127454.2, NM_001438059.1); c.1357G>A, p.Ala453Thr (NM_004403.3); short protein forms A289T, A453T.
Identifiers: ClinVar variation 4998053 (VCV004998053.1).